The following is an entry in ClinVar:

NM_000135.4(FANCA):c.1441G>C (p.Val481Leu)

Gene: FANCA (FA complementation group A; minus strand). Cytogenetic location: 16q24.3.
Variant type: single nucleotide variant.
Coding change: c.1441G>C on transcript NM_000135.4 (MANE Select); coding-DNA position 1441, G replaced by C.
Protein change: p.Val481Leu; replaces valine 481 with leucine.
Molecular consequence: missense variant.
Genome position (GRCh38, 1-based): chr16:89,784,883, C>G on the plus strand (G>C on the coding strand, the complement: FANCA is on the minus strand). VCF-style: chr16-89784883-C-G. GRCh37 (hg19) VCF-style: chr16-89851291-C-G.
Other names: c.1441G>C, p.Val481Leu (NM_001286167.3); short protein forms V481L.
Identifiers: ClinVar variation 4022151 (VCV004022151.1).

ClinVar aggregate classification (germline): Uncertain significance (1 of 4 stars; one submission).

Conditions:
Inborn genetic diseases. Identifiers: MedGen C0950123, MeSH D030342.

gnomAD v4.1: 2 of 1,614,100 alleles (0.00012%); highest among the groups gnomAD compares: Non-Finnish European, 0.00017%; no homozygotes.

Submission:

Ambry Genetics
Classification: Uncertain significance for Inborn genetic diseases. Last evaluated: 2025-04-05. Review status: criteria provided, single submitter. Criteria: Ambry Variant Classification Scheme 2023. Collection method: clinical testing. Allele origin: germline.
Comment: The p.V481L variant (also known as c.1441G>C), located in coding exon 15 of the FANCA gene, results from a G to C substitution at nucleotide position 1441. The valine at codon 481 is replaced by leucine, an amino acid with highly similar properties. This amino acid position is conserved. In addition, this alteration is predicted to be deleterious by in silico analysis. Based on the available evidence, the clinical significance of this variant remains unclear.